The following is an entry in ClinVar:

ClinVar aggregate classification (germline): Uncertain significance (1 of 4 stars; one submission).

Conditions:
Dilated cardiomyopathy 1G (CMD1G). Identifiers: Orphanet 154, MedGen C1858763, MONDO:0011400, OMIM 604145.
Autosomal recessive limb-girdle muscular dystrophy type 2J (LGMDR10). Also called: MUSCULAR DYSTROPHY, LIMB-GIRDLE, AUTOSOMAL RECESSIVE 10; Limb-girdle muscular dystrophy, type 2J. Identifiers: Orphanet 140922, MedGen C1837342, MONDO:0012127, OMIM 608807.

Submission:

Labcorp Genetics (formerly Invitae), Labcorp
Classification: Uncertain significance for Dilated cardiomyopathy 1G; Autosomal recessive limb-girdle muscular dystrophy type 2J. Last evaluated: 2022-02-20. Review status: criteria provided, single submitter. Criteria: Invitae Variant Classification Sherloc (09022015). Collection method: clinical testing. Allele origin: germline.
Comment: In summary, the available evidence is currently insufficient to determine the role of this variant in disease. Therefore, it has been classified as a Variant of Uncertain Significance. This variant is located in the I band of TTN (PMID: 25589632). Truncating variants in this region have been shown to be highly prevalent in the general population and unaffected individuals (PMID: 26701604, 22335739). However, truncating variants in this region have also been reported in individuals affected with autosomal recessive centronuclear myopathy (PMID: 23975875). This variant has not been reported in the literature in individuals affected with TTN-related conditions. This variant results in the deletion of exons 115 - 223 and part of exon 114 (c.30949_40876+421del) of the TTN gene. It is expected to disrupt RNA splicing and likely results in a truncated or disrupted TTN protein.

Literature cited by the submitters: PubMed 25589632; PubMed 26701604; PubMed 22335739; PubMed 23975875.

NC_000002.11:g.(?_179504005)_(179560850_?)del

Gene: TTN (titin; minus strand). Cytogenetic location: 2q31.2.
Variant type: Deletion.
Identifiers: ClinVar variation 2424043 (VCV002424043.6).